The following is an entry in ClinVar:

NM_001291303.3(FAT4):c.10834A>C (p.Asn3612His)

Gene: FAT4 (FAT atypical cadherin 4; plus strand). Cytogenetic location: 4q28.1.
Variant type: single nucleotide variant.
Coding change: c.10834A>C on transcript NM_001291303.3 (MANE Select); coding-DNA position 10834, A replaced by C.
Protein change: p.Asn3612His; replaces asparagine 3612 with histidine.
Molecular consequence: missense variant.
Genome position (GRCh38, 1-based): chr4:125,451,844, A>C. VCF-style: chr4-125451844-A-C. GRCh37 (hg19) VCF-style: chr4-126372999-A-C.
Other names: c.10834A>C, p.Asn3612His (NM_001291285.3); c.10828A>C, p.Asn3610His (NM_024582.6); short protein forms N3610H, N3612H.
Identifiers: ClinVar variation 2076250 (VCV002076250.3), dbSNP rs778891572, ClinGen allele CA3073743.

ClinVar aggregate classification (germline): Uncertain significance (1 of 4 stars; one submission).

Allele frequency attached by ClinVar (database versions not stated): gnomAD exomes 0.00001; TOPMed 0.00001; ExAC 0.00002; gnomAD 0.00002.
gnomAD v4.1: 24 of 1,614,020 alleles (0.0015%); highest among the groups gnomAD compares: Non-Finnish European, 0.0018%; no homozygotes.

Submission:

Labcorp Genetics (formerly Invitae), Labcorp
Classification: Uncertain significance. Last evaluated: 2022-06-23. Review status: criteria provided, single submitter. Criteria: Invitae Variant Classification Sherloc (09022015). Collection method: clinical testing. Allele origin: germline.
Comment: This sequence change replaces asparagine, which is neutral and polar, with histidine, which is basic and polar, at codon 3610 of the FAT4 protein (p.Asn3610His). This variant is present in population databases (rs778891572, gnomAD 0.002%). This variant has not been reported in the literature in individuals affected with FAT4-related conditions. Advanced modeling of protein sequence and biophysical properties (such as structural, functional, and spatial information, amino acid conservation, physicochemical variation, residue mobility, and thermodynamic stability) performed at Invitae indicates that this missense variant is not expected to disrupt FAT4 protein function. In summary, the available evidence is currently insufficient to determine the role of this variant in disease. Therefore, it has been classified as a Variant of Uncertain Significance.